The following is an entry in ClinVar:

NM_006005.3(WFS1):c.712+16G>A

Gene: WFS1 (wolframin ER transmembrane glycoprotein; plus strand). Cytogenetic location: 4p16.1.
Variant type: single nucleotide variant.
Coding change: c.712+16G>A on transcript NM_006005.3 (MANE Select); 16 bases into the intron after coding-DNA position 712, G replaced by A.
Molecular consequence: intron variant.
Genome position (GRCh38, 1-based): chr4:6,292,013, G>A. VCF-style: chr4-6292013-G-A. GRCh37 (hg19) VCF-style: chr4-6293740-G-A.
Other names: c.712+16G>A (NM_001145853.1).
Identifiers: ClinVar variation 215380 (VCV000215380.61), dbSNP rs71524367, ClinGen allele CA321380.

ClinVar aggregate classification (germline): Benign/Likely benign. Review status: criteria provided, multiple submitters, no conflicts (2 of 4 stars). 13 submissions from 13 submitters: Benign (5); Likely benign (4). 4 of the submissions do not count toward it. Last evaluated 2026-09-01.

Conditions:
Wolfram syndrome 1 (WFS1). Identifiers: Orphanet 3463, MedGen C4551693, MONDO:0009101, OMIM 222300.

Allele frequency attached by ClinVar (database versions not stated): 1000 Genomes Project 30x 0.00109; 1000 Genomes Project 0.00120; gnomAD 0.00213 and 0.00232; TOPMed 0.00230; ESP Exome Variant Server 0.00239; gnomAD exomes 0.00262 and 0.00345; ExAC 0.00473.
gnomAD v4.1: 4,205 of 1,595,556 alleles (0.26%); highest among the groups gnomAD compares: Middle Eastern, 1.5%; 22 homozygotes.

Submissions (13):

CeGaT Center for Human Genetics Tuebingen
Classification: Likely benign. Last evaluated: 2026-09-01. Review status: criteria provided, single submitter. Criteria: CeGaT Center For Human Genetics Tuebingen Variant Classification Criteria Version 2. Collection method: clinical testing. Allele origin: germline. Affected: yes. Observed: 21 variant alleles.
Comment: WFS1: BS2

Labcorp Genetics (formerly Invitae), Labcorp
Classification: Benign. Last evaluated: 2026-01-28. Review status: criteria provided, single submitter. Criteria: Invitae Variant Classification Sherloc (09022015). Collection method: clinical testing. Allele origin: germline.

Mendelics
Classification: Benign for Wolfram syndrome 1. Last evaluated: 2019-05-28. Review status: criteria provided, single submitter. Criteria: Mendelics Assertion Criteria 2017. Collection method: clinical testing. Allele origin: unknown.

GeneDx
Classification: Likely benign. Last evaluated: 2017-09-01. Review status: criteria provided, single submitter. Criteria: GeneDx Variant Classification (06012015). Collection method: clinical testing. Allele origin: germline. Affected: yes.
Comment: This variant is considered likely benign or benign based on one or more of the following criteria: it is a conservative change, it occurs at a poorly conserved position in the protein, it is predicted to be benign by multiple in silico algorithms, and/or has population frequency not consistent with disease.

Eurofins Ntd Llc (ga)
Classification: Benign. Last evaluated: 2017-07-20. Review status: criteria provided, single submitter. Criteria: EGL Classification Definitions 2015. Collection method: clinical testing. Allele origin: germline. Observed: 1 variant allele, 1 heterozygote.

Center for Pediatric Genomic Medicine, Children's Mercy Hospital and Clinics
Classification: Likely benign. Last evaluated: 2017-05-15. Review status: criteria provided, single submitter. Criteria: ACMG Guidelines, 2015. Collection method: clinical testing. Allele origin: germline.

Genomic Diagnostic Laboratory, Division of Genomic Diagnostics, Children's Hospital of Philadelphia
Classification: Benign. Last evaluated: 2015-07-10. Review status: criteria provided, single submitter. Criteria: DGD Variant Analysis Guidelines. Collection method: clinical testing. Allele origin: unknown.

Breakthrough Genomics
Classification: Likely benign. Review status: criteria provided, single submitter. Criteria: ACMG Guidelines, 2015. Collection method: not provided. Allele origin: germline. Inheritance: Autosomal recessive inheritance. Affected: yes.

Clinical Genomics, Uppaluri K&H Personalized Medicine Clinic
Classification: Benign for Wolfram syndrome 1. Review status: criteria provided, single submitter. Criteria: K & H Uppaluri Personalized Medicine Clinic Variant Classification & Assertion Criteria_Updated V.1. Collection method: research. Allele origin: unknown. Inheritance: Autosomal recessive inheritance.
Comment: Potent mutations in WFS1 gene are associated with Wolfram's syndrome, an autosomal recessive condition, which cause diabetes mellitus, diabetes insipidus, deafness and optic atrophy. However no sufficient evidence is found to ascertain the role of this particular variant rs71524367 in Wolfram's syndrome yet.

Clinical Genetics DNA and cytogenetics Diagnostics Lab, Erasmus MC, Erasmus Medical Center
Classification: Likely benign. Review status: no assertion criteria provided. Collection method: clinical testing. Allele origin: germline. Affected: yes. Study: VKGL Data-share Consensus. Not counted in ClinVar's aggregate classification.

Clinical Genetics, Academic Medical Center
Classification: Likely benign. Review status: no assertion criteria provided. Collection method: clinical testing. Allele origin: germline. Affected: yes. Study: VKGL Data-share Consensus. Not counted in ClinVar's aggregate classification.

Joint Genome Diagnostic Labs from Nijmegen and Maastricht, Radboudumc and MUMC+
Classification: Benign. Review status: no assertion criteria provided. Collection method: clinical testing. Allele origin: germline. Affected: yes. Study: VKGL Data-share Consensus. Not counted in ClinVar's aggregate classification.

Laboratory of Diagnostic Genome Analysis, Leiden University Medical Center (LUMC)
Classification: Likely benign. Review status: no assertion criteria provided. Collection method: clinical testing. Allele origin: germline. Affected: yes. Study: VKGL Data-share Consensus. Not counted in ClinVar's aggregate classification.

Literature cited by the submitters: PubMed 20738327 (cited by Clinical Genomics, Uppaluri K&H Personalized Medicine Clinic); PubMed 33879153 (cited by Clinical Genomics, Uppaluri K&H Personalized Medicine Clinic); PubMed 12955714 (cited by Clinical Genomics, Uppaluri K&H Personalized Medicine Clinic); PubMed 18060660 (cited by Clinical Genomics, Uppaluri K&H Personalized Medicine Clinic); PubMed 20301750 (cited by Clinical Genomics, Uppaluri K&H Personalized Medicine Clinic); PubMed 17603484 (cited by Clinical Genomics, Uppaluri K&H Personalized Medicine Clinic).